The following is an entry in ClinVar:

NM_006031.6(PCNT):c.7126C>T (p.Gln2376Ter)

Gene: PCNT (pericentrin; plus strand). Cytogenetic location: 21q22.3.
Variant type: single nucleotide variant.
Coding change: c.7126C>T on transcript NM_006031.6 (MANE Select); coding-DNA position 7126, C replaced by T.
Protein change: p.Gln2376Ter; replaces glutamine 2376 with a stop codon.
Molecular consequence: nonsense.
Genome position (GRCh38, 1-based): chr21:46,422,071, C>T. VCF-style: chr21-46422071-C-T. GRCh37 (hg19) VCF-style: chr21-47841985-C-T.
Other names: c.6772C>T, p.Gln2258Ter (NM_001315529.2); short protein forms Q2376*, Q2258*.
Identifiers: ClinVar variation 504880 (VCV000504880.5), dbSNP rs1555993038, ClinGen allele CA410567520.

ClinVar aggregate classification (germline): Pathogenic (1 of 4 stars; one submission).

Conditions:
Microcephalic osteodysplastic primordial dwarfism type II (MOPD2). Also called: MOPD II; OSTEODYSPLASTIC PRIMORDIAL DWARFISM, TYPE II; Microcephalic osteodysplastic primordial dwarfism with tooth abnormalities. Identifiers: Orphanet 2637, MedGen C0432246, MONDO:0008872, OMIM 210720.

Allele frequency attached by ClinVar (database versions not stated): gnomAD exomes below 0.00001.
gnomAD v4.1: 1 of 1,613,948 alleles (0.000062%); highest among the groups gnomAD compares: Non-Finnish European, 0.000085%; no homozygotes.

Submission:

Laboratory for Molecular Medicine, Mass General Brigham Personalized Medicine
Classification: Pathogenic for Microcephalic osteodysplastic primordial dwarfism type II. Last evaluated: 2015-10-22. Review status: criteria provided, single submitter. Criteria: LMM Criteria. Collection method: clinical testing. Allele origin: germline. Inheritance: Autosomal recessive inheritance. Observed: 1 variant allele.
Comment: The p.Gln2376X variant in PCNT has not been previously reported in the literatur e or in large population studies. This nonsense variant leads to a premature ter mination codon at position 2376, which is predicted to lead to a truncated or ab sent protein. Nonsense and other loss of function variants in PCNT are establish ed to be disease causing for microcephalic osteodysplastic primordial dwarfism t ype 2. In summary, this variant meets our criteria to be classified as pathogeni c for microcephalic osteodysplastic primordial dwarfism type 2 in an autosomal r ecessive manner based upon its predicted impact to the protein.